The following is an entry in ClinVar:

ClinVar aggregate classification (germline): Uncertain significance (1 of 4 stars; one submission).

Allele frequency attached by ClinVar (database versions not stated): ExAC 0.00001; gnomAD 0.00001.
gnomAD v4.1: 2 of 1,604,620 alleles (0.00012%); highest among the groups gnomAD compares: African/African-American, 0.0027%; no homozygotes.

Submission:

Labcorp Genetics (formerly Invitae), Labcorp
Classification: Uncertain significance. Last evaluated: 2022-08-09. Review status: criteria provided, single submitter. Criteria: Invitae Variant Classification Sherloc (09022015). Collection method: clinical testing. Allele origin: germline.
Comment: This variant is present in population databases (rs767266944, gnomAD 0.008%). This sequence change replaces tyrosine, which is neutral and polar, with asparagine, which is neutral and polar, at codon 552 of the ERBIN protein (p.Tyr552Asn). In summary, the available evidence is currently insufficient to determine the role of this variant in disease. Therefore, it has been classified as a Variant of Uncertain Significance. Algorithms developed to predict the effect of missense changes on protein structure and function are either unavailable or do not agree on the potential impact of this missense change (SIFT: "Deleterious"; PolyPhen-2: "Benign"; Align-GVGD: "Class C0"). This variant has not been reported in the literature in individuals affected with ERBIN-related conditions.

NM_001253697.2(ERBIN):c.1654T>A (p.Tyr552Asn)

Gene: ERBIN (erbb2 interacting protein; plus strand). Cytogenetic location: 5q12.3.
Variant type: single nucleotide variant.
Coding change: c.1654T>A on transcript NM_001253697.2 (MANE Select); coding-DNA position 1654, T replaced by A.
Protein change: p.Tyr552Asn; replaces tyrosine 552 with asparagine.
Molecular consequence: missense variant.
Genome position (GRCh38, 1-based): chr5:66,046,404, T>A. VCF-style: chr5-66046404-T-A. GRCh37 (hg19) VCF-style: chr5-65342232-T-A.
Other names: c.1654T>A, p.Tyr552Asn (NM_001006600.3, NM_001253698.2, NM_001253699.2 and 1 more transcripts); c.1642T>A, p.Tyr548Asn (NM_001253701.2); short protein forms Y548N, Y552N.
Identifiers: ClinVar variation 1721342 (VCV001721342.5), dbSNP rs767266944, ClinGen allele CA3286312.
Genomic context (GRCh38, chr5:66,046,404, plus strand): 5'-TTTACTTAGACCTCAGAAAGTACTACTACAGTAAAAAGCAAAGTTGATGAAAGAGAAAAA[T>A]ATATGATAGGAAACTCTGTACAGAAGATCAGTGAACCTGAAGCTGAGATTAGTCCTGGGA-3'
Protein context (NP_001240626.1, residues 542-562): VKSKVDEREK[Tyr552Asn]MIGNSVQKIS